The following is an entry in ClinVar:

ClinVar aggregate classification (germline): Uncertain significance. Review status: criteria provided, multiple submitters, no conflicts (2 of 4 stars). 2 submissions from 2 submitters: Uncertain significance (2). Last evaluated 2024-06-06.

Conditions:
Familial cancer of breast. Also called: hereditary breast carcinoma; BREAST CANCER, FAMILIAL; Hereditary breast cancer. Identifiers: Orphanet 227535, MedGen C0346153, MONDO:0016419, OMIM 114480. Disease mechanism: loss of function.
Ataxia-telangiectasia syndrome (AT). Also called: Ataxia-telangiectasia, complementation group D; AT, COMPLEMENTATION GROUP C; Ataxia telangiectasia (A-T); Cerebello-oculocutaneous telangiectasia; Immunodeficiency with ataxia telangiectasia; Ataxia-telangiectasia. Identifiers: Orphanet 100, MedGen C0004135, MONDO:0008840, OMIM 208900.

Submissions (2):

Fulgent Genetics
Classification: Uncertain significance for Familial cancer of breast; Ataxia-telangiectasia syndrome. Last evaluated: 2024-06-06. Review status: criteria provided, single submitter. Criteria: ACMG Guidelines, 2015. Collection method: clinical testing. Allele origin: germline.

Labcorp Genetics (formerly Invitae), Labcorp
Classification: Uncertain significance for Ataxia-telangiectasia syndrome. Last evaluated: 2021-08-24. Review status: criteria provided, single submitter. Criteria: Invitae Variant Classification Sherloc (09022015). Collection method: clinical testing. Allele origin: germline.
Comment: This sequence change replaces serine with arginine at codon 1447 of the ATM protein (p.Ser1447Arg). The serine residue is moderately conserved and there is a moderate physicochemical difference between serine and arginine. This variant is not present in population databases (ExAC no frequency). This variant has not been reported in the literature in individuals affected with ATM-related conditions. Algorithms developed to predict the effect of missense changes on protein structure and function (SIFT, PolyPhen-2, Align-GVGD) all suggest that this variant is likely to be tolerated. In summary, the available evidence is currently insufficient to determine the role of this variant in disease. Therefore, it has been classified as a Variant of Uncertain Significance.

NM_000051.4(ATM):c.4341T>A (p.Ser1447Arg)

Gene: ATM (ATM serine/threonine kinase; plus strand). Cytogenetic location: 11q22.3.
Variant type: single nucleotide variant.
Coding change: c.4341T>A on transcript NM_000051.4 (MANE Select); coding-DNA position 4341, T replaced by A.
Protein change: p.Ser1447Arg; replaces serine 1447 with arginine.
Molecular consequence: missense variant.
Genome position (GRCh38, 1-based): chr11:108,289,706, T>A. VCF-style: chr11-108289706-T-A. GRCh37 (hg19) VCF-style: chr11-108160433-T-A.
Other names: c.4341T>A, p.Ser1447Arg (NM_001351834.2); short protein forms S1447R.
Identifiers: ClinVar variation 844249 (VCV000844249.8), dbSNP rs1565456454, ClinGen allele CA382531956.